The following is an entry in ClinVar:

NM_014297.5(ETHE1):c.761C>T (p.Ala254Val)

Gene: ETHE1 (ETHE1 persulfide dioxygenase; minus strand). Cytogenetic location: 19q13.31.
Variant type: single nucleotide variant.
Coding change: c.761C>T on transcript NM_014297.5 (MANE Select); coding-DNA position 761, C replaced by T.
Protein change: p.Ala254Val; replaces alanine 254 with valine.
Molecular consequence: missense variant.
Genome position (GRCh38, 1-based): chr19:43,506,854, G>A on the plus strand (C>T on the coding strand, the complement: ETHE1 is on the minus strand). VCF-style: chr19-43506854-G-A. GRCh37 (hg19) VCF-style: chr19-44011006-G-A.
Other names: NM_014297.5(ETHE1):c.761C>T; p.Ala254Val; c.728C>T, p.Ala243Val (NM_001320867.2); c.392C>T, p.Ala131Val (NM_001320868.2); c.467C>T, p.Ala156Val (NM_001320869.2); short protein forms A131V, A243V, A156V, A254V.
Identifiers: ClinVar variation 658833 (VCV000658833.8), dbSNP rs1366031091, ClinGen allele CA406174565.

ClinVar aggregate classification (germline): Uncertain significance. Review status: reviewed by expert panel (3 of 4 stars). 3 submissions from 3 submitters: Uncertain significance (1). 2 of the submissions do not count toward it. Last evaluated 2020-08-18.

Conditions:
Ethylmalonic encephalopathy (EE). Also called: Syndrome of encephalopathy, petechiae, and ethylmalonic aciduria; EPEMA syndrome; Encephalopathy, petechiae, and ethylmalonic aciduria. Identifiers: Orphanet 51188, MedGen C1865349, MONDO:0011229, OMIM 602473. Disease mechanism: loss of function.

Allele frequency attached by ClinVar (database versions not stated): TOPMed 0.00001.
gnomAD v4.1: 2 of 1,613,598 alleles (0.00012%); no homozygotes.

Submissions (3):

ClinGen Mitochondrial Disease Nuclear and Mitochondrial  Variant Curation Expert Panel, ClinGen
Classification: Uncertain significance for Ethylmalonic encephalopathy. Last evaluated: 2020-08-18. Review status: reviewed by expert panel. Criteria: clingen mito disease acmg specifications v1-1. Collection method: curation. Allele origin: germline. Inheritance: Autosomal recessive inheritance.
Comment: This variant was classified as a variant of uncertain significance as there has not been sufficient evidence to support either a benign or a pathogenic classification. Specifically, this variant has not been reported in the literature in affected or unaffected patients, has no published functional data, and is not present in population databases to assess allele frequency.

Labcorp Genetics (formerly Invitae), Labcorp
Classification: Uncertain significance for Ethylmalonic encephalopathy. Last evaluated: 2021-08-31. Review status: criteria provided, single submitter. Criteria: Invitae Variant Classification Sherloc (09022015). Collection method: clinical testing. Allele origin: germline. Not counted in ClinVar's aggregate classification.
Comment: This sequence change replaces alanine with valine at codon 254 of the ETHE1 protein (p.Ala254Val). The alanine residue is weakly conserved and there is a small physicochemical difference between alanine and valine. This variant is not present in population databases (ExAC no frequency). This variant has not been reported in the literature in individuals affected with ETHE1-related conditions. Algorithms developed to predict the effect of missense changes on protein structure and function (SIFT, PolyPhen-2, Align-GVGD) all suggest that this variant is likely to be tolerated. In summary, the available evidence is currently insufficient to determine the role of this variant in disease. Therefore, it has been classified as a Variant of Uncertain Significance.

Natera, Inc.
Classification: Uncertain significance for Ethylmalonic encephalopathy. Last evaluated: 2020-09-16. Review status: no assertion criteria provided. Collection method: clinical testing. Allele origin: germline. Not counted in ClinVar's aggregate classification.